The following is an entry in ClinVar:

NM_005324.5(H3-3B):c.346A>G (p.Lys116Glu)

Gene: H3-3B (H3.3 histone B; minus strand). Cytogenetic location: 17q25.1.
Variant type: single nucleotide variant.
Coding change: c.346A>G on transcript NM_005324.5 (MANE Select); coding-DNA position 346, A replaced by G.
Protein change: p.Lys116Glu; replaces lysine 116 with glutamic acid.
Molecular consequence: missense variant.
Genome position (GRCh38, 1-based): chr17:75,778,660, T>C on the plus strand (A>G on the coding strand, the complement: H3-3B is on the minus strand). VCF-style: chr17-75778660-T-C. GRCh37 (hg19) VCF-style: chr17-73774741-T-C.
Other names: short protein forms K116E.
Identifiers: ClinVar variation 3907696 (VCV003907696.1).

ClinVar aggregate classification (germline): Uncertain significance (1 of 4 stars; one submission).

Conditions:
Bryant-Li-Bhoj neurodevelopmental syndrome 2 (BRYLIB2). Also called: H3-3B syndrome. Identifiers: MedGen C5676906, MONDO:0030607, OMIM 619721. Disease mechanism: loss of function.

Submission:

MVZ Medizinische Genetik Mainz
Classification: Uncertain significance for Bryant-Li-Bhoj neurodevelopmental syndrome 2. Last evaluated: 2025-06-02. Review status: criteria provided, single submitter. Criteria: UK Practice Guidelines For Variant Classification V4 01 2020. Collection method: clinical testing. Allele origin: germline. Inheritance: Autosomal dominant inheritance. Affected: yes. Observed: 1 variant allele.
Comment: ACMG Criteria: PP3_MOD,PM1_SUP,PM2_SUP